The following is an entry in ClinVar:

NM_000540.3(RYR1):c.12316G>A (p.Glu4106Lys)

Gene: RYR1 (ryanodine receptor 1; plus strand). Cytogenetic location: 19q13.2.
Variant type: single nucleotide variant.
Coding change: c.12316G>A on transcript NM_000540.3 (MANE Select); coding-DNA position 12316, G replaced by A.
Protein change: p.Glu4106Lys; replaces glutamic acid 4106 with lysine.
Molecular consequence: missense variant.
Genome position (GRCh38, 1-based): chr19:38,561,146, G>A. VCF-style: chr19-38561146-G-A. GRCh37 (hg19) VCF-style: chr19-39051786-G-A.
Other names: c.12301G>A, p.Glu4101Lys (NM_001042723.2); short protein forms E4101K, E4106K.
Identifiers: ClinVar variation 4281922 (VCV004281922.1).

ClinVar aggregate classification (germline): Uncertain significance (1 of 4 stars; one submission).

gnomAD v4.1: 1 of 1,614,130 alleles (0.000062%); no homozygotes.

Submission:

GeneDx
Classification: Uncertain significance. Last evaluated: 2025-04-16. Review status: criteria provided, single submitter. Criteria: GeneDx Variant Classification Process June 2021. Collection method: clinical testing. Allele origin: germline. Affected: yes.
Comment: Not observed at significant frequency in large population cohorts (gnomAD); In silico analysis supports that this missense variant has a deleterious effect on protein structure/function; Has not been previously published as pathogenic or benign to our knowledge